The following is an entry in ClinVar:

NM_018685.5(ANLN):c.602G>A (p.Arg201His)

Gene: ANLN (anillin, actin binding protein; plus strand). Cytogenetic location: 7p14.2.
Variant type: single nucleotide variant.
Coding change: c.602G>A on transcript NM_018685.5 (MANE Select); coding-DNA position 602, G replaced by A.
Protein change: p.Arg201His; replaces arginine 201 with histidine.
Molecular consequence: missense variant.
Genome position (GRCh38, 1-based): chr7:36,406,295, G>A. VCF-style: chr7-36406295-G-A. GRCh37 (hg19) VCF-style: chr7-36445904-G-A.
Other names: c.602G>A, p.Arg201His (NM_001284301.3, NM_001284302.3); short protein forms R201H.
Identifiers: ClinVar variation 4751330 (VCV004751330.1).

ClinVar aggregate classification (germline): Uncertain significance (1 of 4 stars; one submission).

Submission:

Labcorp Genetics (formerly Invitae), Labcorp
Classification: Uncertain significance. Last evaluated: 2025-07-09. Review status: criteria provided, single submitter. Criteria: Invitae Variant Classification Sherloc (09022015). Collection method: clinical testing. Allele origin: germline.
Comment: This sequence change replaces arginine, which is basic and polar, with histidine, which is basic and polar, at codon 201 of the ANLN protein (p.Arg201His). This variant is present in population databases (rs373587417, gnomAD 0.007%). This variant has not been reported in the literature in individuals affected with ANLN-related conditions. An algorithm developed to predict the effect of missense changes on protein structure and function (PolyPhen-2) suggests that this variant is likely to be disruptive. In summary, the available evidence is currently insufficient to determine the role of this variant in disease. Therefore, it has been classified as a Variant of Uncertain Significance.